The following is an entry in ClinVar:

ClinVar aggregate classification (germline): Likely benign (1 of 4 stars; one submission).

Allele frequency attached by ClinVar (database versions not stated): gnomAD exomes 0.00001 and 0.00005; ExAC 0.00002; gnomAD 0.00003 and 0.00004; TOPMed 0.00003; 1000 Genomes Project 30x 0.00016; 1000 Genomes Project 0.00020.
gnomAD v4.1: 21 of 1,613,760 alleles (0.0013%); highest among the groups gnomAD compares: Admixed American, 0.027%; no homozygotes.

Submission:

GeneDx
Classification: Likely benign. Last evaluated: 2012-12-12. Review status: criteria provided, single submitter. Criteria: GeneDx Variant Classification (06012015). Collection method: clinical testing. Allele origin: germline. Affected: yes.
Comment: This variant is considered likely benign or benign based on one or more of the following criteria: it is a conservative change, it occurs at a poorly conserved position in the protein, it is predicted to be benign by multiple in silico algorithms, and/or has population frequency not consistent with disease.

NM_021957.4(GYS2):c.395G>A (p.Gly132Asp)

Gene: GYS2 (glycogen synthase 2; minus strand). Cytogenetic location: 12p12.1.
Variant type: single nucleotide variant.
Coding change: c.395G>A on transcript NM_021957.4 (MANE Select); coding-DNA position 395, G replaced by A.
Protein change: p.Gly132Asp; replaces glycine 132 with aspartic acid.
Molecular consequence: missense variant.
Genome position (GRCh38, 1-based): chr12:21,575,966, C>T on the plus strand (G>A on the coding strand, the complement: GYS2 is on the minus strand). VCF-style: chr12-21575966-C-T. GRCh37 (hg19) VCF-style: chr12-21728900-C-T.
Other names: p.G132D:GGT>GAT; short protein forms G132D.
Identifiers: ClinVar variation 214523 (VCV000214523.1), dbSNP rs541099681, ClinGen allele CA323426.